The following is an entry in ClinVar:

ClinVar aggregate classification (oncogenicity): Oncogenic (1 of 4 stars; one submission).

Conditions:
Acute myeloid leukemia (AML). Also called: Acute myeloid leukemia, adult; AML adult; Acute non-lymphocytic leukemia; Acute granulocytic leukemia; Leukemia, acute myeloid, somatic; Leukemia, acute myelogenous, somatic. Identifiers: Orphanet 519, MedGen C0023467, MeSH D015470, MONDO:0018874, OMIM 601626, HP:0004808. Disease mechanism: Constitutively activated FLT3.

Submission:

Microbiology and Molecular Biology Lab, Lahore College for Women University
Classification: Oncogenic for Acute myeloid leukemia. Last evaluated: 2025-10-12. Review status: criteria provided, single submitter. Criteria: Assertion Criteria 1.0. Collection method: research. Allele origin: somatic. Affected: yes.
Comment: NRAS Transcript: NM_002524.5 cDNA Change: c.66G>C Protein Change: p.Q22H Mutation Type: Missense synonymous mutation in exon 2, within the GTPase domain and responsible to encode P-loop Genomic Location (GRCh38): chr1:114,716,095G>C Oncogenicity: Oncogenic NRAS c.66G>C (p.Q22H) is an oncogenic, somatic mutation which is not previously reported in databases such as COSMIC and ClinVar. No approved NRAS-targeted therapies currently exist for this mutation. It may influence prognosis and inform eligibility for clinical trials targeting downstream pathways.

NM_002524.5(NRAS):c.66G>C (p.Gln22His)

Gene: NRAS (NRAS proto-oncogene, GTPase; minus strand). Cytogenetic location: 1p13.2.
Variant type: single nucleotide variant.
Coding change: c.66G>C on transcript NM_002524.5 (MANE Select); coding-DNA position 66, G replaced by C.
Protein change: p.Gln22His; replaces glutamine 22 with histidine.
Molecular consequence: missense variant.
Genome position (GRCh38, 1-based): chr1:114,716,095, C>G on the plus strand (G>C on the coding strand, the complement: NRAS is on the minus strand). VCF-style: chr1-114716095-C-G. GRCh37 (hg19) VCF-style: chr1-115258716-C-G.
Other names: short protein forms Q22H.
Identifiers: ClinVar variation 4756114 (VCV004756114.1).
Genomic context (GRCh38, chr1:114,716,095, plus strand): 5'-ACCACTGGGCCTCACCTCTATGGTGGGATCATATTCATCTACAAAGTGGTTCTGGATTAG[C>G]TGGATTGTCAGTGCGCTTTTCCCAACACCACCTGCTCCAACCACCACCAGTTTGTACTCA-3'
Protein context (NP_002515.1, residues 12-32): GGVGKSALTI[Gln22His]LIQNHFVDEY